The following is an entry in ClinVar:

ClinVar aggregate classification (germline): Uncertain significance. Review status: reviewed by expert panel (3 of 4 stars). 2 submissions from 2 submitters: Uncertain significance (1). 1 of the submissions does not count toward it. Last evaluated 2025-01-15.

Conditions:
Hereditary thrombocytopenia and hematological cancer predisposition syndrome associated with RUNX1. Also called: Familial thrombocytopenia with propensity to acute myelogenous leukemia; PLATELET DISORDER, ASPIRIN-LIKE; RUNX1 Familial Platelet Disorder with Associated Myeloid Malignancies; Familial Platelet Disorder with Propensity to Acute Myelogenous Leukemia. Identifiers: Orphanet 71290, MedGen C1832388, MeSH C563324, MONDO:0100083, OMIM 601399.
Hereditary thrombocytopenia and hematologic cancer predisposition syndrome. Identifiers: Orphanet 71290, MedGen CN281654, MONDO:0011071.

Submissions (2):

ClinGen Myeloid Malignancy Variant Curation Expert Panel
Classification: Uncertain significance for Hereditary thrombocytopenia and hematologic cancer predisposition syndrome. Last evaluated: 2025-01-15. Review status: reviewed by expert panel. Criteria: ClinGen MyeloMalig ACMG Specifications v2. Collection method: curation. Allele origin: germline. Inheritance: Autosomal dominant inheritance.
Comment: NM_001754.5(RUNX1):c.737C>G (p.Thr246Arg) is a missense variant which has a REVEL score < 0.50 (0.478) and a SpliceAI score ≤ 0.20 (Acceptor Loss 0.01) (BP4). This variant is completely absent from all population databases with at least 20x coverage for RUNX1 (PM2_Supporting). In summary, the clinical significance of this variant is uncertain. ACMG/AMP criteria applied, as specified by the Myeloid Malignancy Variant Curation Expert Panel for RUNX1: BP4, PM2_supporting.

Labcorp Genetics (formerly Invitae), Labcorp
Classification: Uncertain significance for Hereditary thrombocytopenia and hematological cancer predisposition syndrome associated with RUNX1. Last evaluated: 2020-10-29. Review status: criteria provided, single submitter. Criteria: Invitae Variant Classification Sherloc (09022015). Collection method: clinical testing. Allele origin: germline. Not counted in ClinVar's aggregate classification.
Comment: In summary, the available evidence is currently insufficient to determine the role of this variant in disease. Therefore, it has been classified as a Variant of Uncertain Significance. Algorithms developed to predict the effect of sequence changes on RNA splicing suggest that this variant may create or strengthen a splice site, but this prediction has not been confirmed by published transcriptional studies. Algorithms developed to predict the effect of missense changes on protein structure and function are either unavailable or do not agree on the potential impact of this missense change (SIFT: "Deleterious"; PolyPhen-2: "Possibly Damaging"; Align-GVGD: "Class C0"). This variant has not been reported in the literature in individuals with RUNX1-related conditions. This variant is not present in population databases (ExAC no frequency). This sequence change replaces threonine with arginine at codon 246 of the RUNX1 protein (p.Thr246Arg). The threonine residue is moderately conserved and there is a moderate physicochemical difference between threonine and arginine.

NM_001754.5(RUNX1):c.737C>G (p.Thr246Arg)

Gene: RUNX1 (RUNX family transcription factor 1; minus strand). Cytogenetic location: 21q22.12.
Variant type: single nucleotide variant.
Coding change: c.737C>G on transcript NM_001754.5 (MANE Select); coding-DNA position 737, C replaced by G.
Protein change: p.Thr246Arg; replaces threonine 246 with arginine.
Molecular consequence: missense variant.
Genome position (GRCh38, 1-based): chr21:34,834,478, G>C on the plus strand (C>G on the coding strand, the complement: RUNX1 is on the minus strand). VCF-style: chr21-34834478-G-C. GRCh37 (hg19) VCF-style: chr21-36206775-G-C.
Other names: NM_001754.5(RUNX1):c.737C>G; p.Thr246Arg; c.656C>G, p.Thr219Arg (NM_001001890.3, NM_001122607.2); short protein forms T219R, T246R.
Identifiers: ClinVar variation 1018236 (VCV001018236.9), dbSNP rs555366994, ClinGen allele CA410206792.